The following is an entry in ClinVar:

ClinVar aggregate classification (germline): Uncertain significance (1 of 4 stars; one submission).

Allele frequency attached by ClinVar (database versions not stated): gnomAD exomes 0.00002.

Submission:

Labcorp Genetics (formerly Invitae), Labcorp
Classification: Uncertain significance. Last evaluated: 2022-01-25. Review status: criteria provided, single submitter. Criteria: Invitae Variant Classification Sherloc (09022015). Collection method: clinical testing. Allele origin: germline.
Comment: This sequence change replaces glycine, which is neutral and non-polar, with serine, which is neutral and polar, at codon 43 of the PEPD protein (p.Gly43Ser). This variant is present in population databases (no rsID available, gnomAD 0.006%). This variant has not been reported in the literature in individuals affected with PEPD-related conditions. Algorithms developed to predict the effect of missense changes on protein structure and function output the following: SIFT: "Tolerated"; PolyPhen-2: "Benign"; Align-GVGD: "Class C0". The serine amino acid residue is found in multiple mammalian species, which suggests that this missense change does not adversely affect protein function. In summary, the available evidence is currently insufficient to determine the role of this variant in disease. Therefore, it has been classified as a Variant of Uncertain Significance.

NM_000285.4(PEPD):c.127G>A (p.Gly43Ser)

Gene: PEPD (peptidase D; minus strand). Cytogenetic location: 19q13.11.
Variant type: single nucleotide variant.
Coding change: c.127G>A on transcript NM_000285.4 (MANE Select); coding-DNA position 127, G replaced by A.
Protein change: p.Gly43Ser; replaces glycine 43 with serine.
Molecular consequence: missense variant.
Genome position (GRCh38, 1-based): chr19:33,512,667, C>T on the plus strand (G>A on the coding strand, the complement: PEPD is on the minus strand). VCF-style: chr19-33512667-C-T. GRCh37 (hg19) VCF-style: chr19-34003573-C-T.
Other names: c.127G>A, p.Gly43Ser (NM_001166056.2, NM_001166057.2); short protein forms G43S.
Identifiers: ClinVar variation 2136980 (VCV002136980.1), dbSNP rs965814680, ClinGen allele CA307567678.